The following is an entry in ClinVar:

NM_006914.4(RORB):c.196C>G (p.Arg66Gly)

Gene: RORB (RAR related orphan receptor B; plus strand). Cytogenetic location: 9q21.13.
Variant type: single nucleotide variant.
Coding change: c.196C>G on transcript NM_006914.4 (MANE Select); coding-DNA position 196, C replaced by G.
Protein change: p.Arg66Gly; replaces arginine 66 with glycine.
Molecular consequence: missense variant.
Genome position (GRCh38, 1-based): chr9:74,634,733, C>G. VCF-style: chr9-74634733-C-G. GRCh37 (hg19) VCF-style: chr9-77249649-C-G.
Other names: c.229C>G, p.Arg77Gly (NM_001365023.1); short protein forms R66G, R77G.
Identifiers: ClinVar variation 4629320 (VCV004629320.2).

ClinVar aggregate classification (germline): Conflicting classifications of pathogenicity. Review status: criteria provided, conflicting classifications (1 of 4 stars). 2 submissions from 2 submitters: Likely pathogenic (1); Uncertain significance (1). Last evaluated 2026-01-19.

Conditions:
Inborn genetic diseases. Identifiers: MedGen C0950123, MeSH D030342.

Submissions (2):

Labcorp Genetics (formerly Invitae), Labcorp
Classification: Uncertain significance. Last evaluated: 2026-01-19. Review status: criteria provided, single submitter. Criteria: Invitae Variant Classification Sherloc (09022015). Collection method: clinical testing. Allele origin: germline.
Comment: This sequence change replaces arginine, which is basic and polar, with glycine, which is neutral and non-polar, at codon 66 of the RORB protein (p.Arg66Gly). This variant is not present in population databases (gnomAD no frequency). This variant has not been reported in the literature in individuals affected with RORB-related conditions. An algorithm developed to predict the effect of missense changes on protein structure and function (PolyPhen-2) suggests that this variant is likely to be disruptive. In summary, the available evidence is currently insufficient to determine the role of this variant in disease. Therefore, it has been classified as a Variant of Uncertain Significance.

Ambry Genetics
Classification: Likely pathogenic for Inborn genetic diseases. Last evaluated: 2025-09-25. Review status: criteria provided, single submitter. Criteria: Ambry Variant Classification Scheme 2023. Collection method: clinical testing. Allele origin: germline.
Comment: The c.196C>G (p.R66G) alteration is located in exon 3 (coding exon 3) of the RORB gene. This alteration results from a C to G substitution at nucleotide position 196, causing the arginine (R) at amino acid position 66 to be replaced by a glycine (G). This variant was not reported in population-based cohorts in the Genome Aggregation Database (gnomAD). Other variant(s) at the same codon, c.197G>A (p.R66Q), have been identified in individual(s) with features consistent with RORB-related neurodevelopmental disorder (external communication, Ambry internal data). This amino acid position is highly conserved in available vertebrate species. This missense alteration is located in a region that has a low rate of benign missense variation (Lek, 2016; Firth, 2009). This alteration is predicted to be deleterious by in silico analysis. Based on the available evidence, this alteration is classified as likely pathogenic.